The following is an entry in ClinVar:

ClinVar aggregate classification (germline): Uncertain significance (1 of 4 stars; one submission).

Conditions:
Hypertrophic cardiomyopathy. Also called: HYPERTROPHIC MYOCARDIOPATHY. Identifiers: Orphanet 217569, MedGen C0007194, MeSH D002312, MONDO:0005045, HP:0001639.

Allele frequency attached by ClinVar (database versions not stated): gnomAD exomes 0.00001; TOPMed 0.00001; gnomAD 0.00002; ExAC 0.00004; ESP Exome Variant Server 0.00008.
gnomAD v4.1: 6 of 1,560,610 alleles (0.00038%); highest among the groups gnomAD compares: Non-Finnish European, 0.00052%; no homozygotes.

Submission:

Labcorp Genetics (formerly Invitae), Labcorp
Classification: Uncertain significance for Hypertrophic cardiomyopathy. Last evaluated: 2022-04-10. Review status: criteria provided, single submitter. Criteria: Invitae Variant Classification Sherloc (09022015). Collection method: clinical testing. Allele origin: germline.
Comment: This sequence change falls in intron 33 of the MYOM1 gene. It does not directly change the encoded amino acid sequence of the MYOM1 protein. It affects a nucleotide within the consensus splice site. This variant is present in population databases (rs370435446, gnomAD 0.004%). This variant has not been reported in the literature in individuals affected with MYOM1-related conditions. Variants that disrupt the consensus splice site are a relatively common cause of aberrant splicing (PMID: 17576681, 9536098). Algorithms developed to predict the effect of sequence changes on RNA splicing suggest that this variant may disrupt the consensus splice site. In summary, the available evidence is currently insufficient to determine the role of this variant in disease. Therefore, it has been classified as a Variant of Uncertain Significance.

Literature cited by the submitters: PubMed 17576681; PubMed 9536098.

NM_003803.4(MYOM1):c.4484+3A>C

Gene: MYOM1 (myomesin 1; minus strand). Cytogenetic location: 18p11.31.
Variant type: single nucleotide variant.
Coding change: c.4484+3A>C on transcript NM_003803.4 (MANE Select); 3 bases into the intron after coding-DNA position 4484, A replaced by C.
Molecular consequence: intron variant.
Genome position (GRCh38, 1-based): chr18:3,083,786, T>G on the plus strand (A>C on the coding strand, the complement: MYOM1 is on the minus strand). VCF-style: chr18-3083786-T-G. GRCh37 (hg19) VCF-style: chr18-3083784-T-G.
Other names: c.4196+3A>C (NM_019856.2).
Identifiers: ClinVar variation 2031875 (VCV002031875.4), dbSNP rs370435446, ClinGen allele CA8873934.
Genomic context (GRCh38, chr18:3,083,786, plus strand): 5'-GTGAGCTGCCGCGCCTGGCAGGGAAAGAATTTCTACACAGCAAGTAAGTTCTCATTTACT[T>G]ACTTGTGGGACCAGTTAACTTTCAAATCCTCCACATAGTAAGTTACAAAAGAGTACAGTT-3'